The following is an entry in ClinVar:

ClinVar aggregate classification (germline): Likely benign (0 of 4 stars; one submission).

Conditions:
LAMA5-related disorder. Also called: LAMA5-Related Disorders; LAMA5-related condition.

Allele frequency attached by ClinVar (database versions not stated): gnomAD exomes below 0.00001.

Submission:

PreventionGenetics, part of Exact Sciences
Classification: Likely benign for LAMA5-related condition. Last evaluated: 2022-12-19. Review status: no assertion criteria provided. Collection method: clinical testing. Allele origin: germline.
Comment: This variant is classified as likely benign based on ACMG/AMP sequence variant interpretation guidelines (Richards et al. 2015 PMID: 25741868, with internal and published modifications).

NM_005560.6(LAMA5):c.120C>T (p.Gly40=)

Genes: LAMA5 (laminin subunit alpha 5; minus strand), LOC130066305 (ATAC-STARR-seq lymphoblastoid silent region 13109; plus strand). Cytogenetic location: 20q13.33.
Variant type: single nucleotide variant.
Coding change: c.120C>T on transcript NM_005560.6 (MANE Select); coding-DNA position 120, C replaced by T.
Protein change: p.Gly40=; no amino-acid change (glycine 40 retained).
Molecular consequence: synonymous variant.
Genome position (GRCh38, 1-based): chr20:62,367,126, G>A on the plus strand (C>T on the coding strand, the complement: LAMA5 is on the minus strand). VCF-style: chr20-62367126-G-A. GRCh37 (hg19) VCF-style: chr20-60942182-G-A.
Identifiers: ClinVar variation 3042457 (VCV003042457.2), dbSNP rs1986825098, ClinGen allele CA511328600.